The following is an entry in ClinVar:

NM_002439.5(MSH3):c.1793C>G (p.Ser598Trp)

Gene: MSH3 (mutS homolog 3; plus strand). Cytogenetic location: 5q14.1.
Variant type: single nucleotide variant.
Coding change: c.1793C>G on transcript NM_002439.5 (MANE Select); coding-DNA position 1793, C replaced by G.
Protein change: p.Ser598Trp; replaces serine 598 with tryptophan.
Molecular consequence: missense variant.
Genome position (GRCh38, 1-based): chr5:80,761,575, C>G. VCF-style: chr5-80761575-C-G. GRCh37 (hg19) VCF-style: chr5-80057394-C-G.
Other names: short protein forms S598W.
Identifiers: ClinVar variation 964202 (VCV000964202.12), dbSNP rs757559761, ClinGen allele CA3328049.

ClinVar aggregate classification (germline): Uncertain significance. Review status: criteria provided, multiple submitters, no conflicts (2 of 4 stars). 3 submissions from 3 submitters: Uncertain significance (3). Last evaluated 2025-04-21.

Conditions:
Hereditary cancer-predisposing syndrome. Also called: Tumor predisposition; Hereditary neoplastic syndrome; Hereditary Cancer Syndrome; Neoplastic Syndromes, Hereditary. Identifiers: Orphanet 140162, MedGen C0027672, MeSH D009386, MONDO:0015356.
Endometrial carcinoma. Also called: Endometrial carcinoma, somatic. Identifiers: MedGen C0476089, MONDO:0002447, OMIM 608089, HP:0012114.

gnomAD v4.1: 2 of 1,613,958 alleles (0.00012%); highest among the groups gnomAD compares: South Asian, 0.0022%; no homozygotes.

Submissions (3):

Ambry Genetics
Classification: Uncertain significance for Hereditary cancer-predisposing syndrome. Last evaluated: 2025-04-21. Review status: criteria provided, single submitter. Criteria: Ambry Variant Classification Scheme 2023. Collection method: clinical testing. Allele origin: germline.
Comment: The p.S598W variant (also known as c.1793C>G), located in coding exon 13 of the MSH3 gene, results from a C to G substitution at nucleotide position 1793. The serine at codon 598 is replaced by tryptophan, an amino acid with highly dissimilar properties. This amino acid position is conserved. In addition, the in silico prediction for this alteration is inconclusive. Since supporting evidence is limited at this time, the clinical significance of this alteration remains unclear.

Labcorp Genetics (formerly Invitae), Labcorp
Classification: Uncertain significance. Last evaluated: 2025-04-14. Review status: criteria provided, single submitter. Criteria: Invitae Variant Classification Sherloc (09022015). Collection method: clinical testing. Allele origin: germline.
Comment: This sequence change replaces serine, which is neutral and polar, with tryptophan, which is neutral and slightly polar, at codon 598 of the MSH3 protein (p.Ser598Trp). This variant is present in population databases (rs757559761, gnomAD 0.003%). This variant has not been reported in the literature in individuals affected with MSH3-related conditions. ClinVar contains an entry for this variant (Variation ID: 964202). An algorithm developed to predict the effect of missense changes on protein structure and function (PolyPhen-2) suggests that this variant is likely to be disruptive. In summary, the available evidence is currently insufficient to determine the role of this variant in disease. Therefore, it has been classified as a Variant of Uncertain Significance.

Baylor Genetics
Classification: Uncertain significance for Endometrial carcinoma. Last evaluated: 2023-10-10. Review status: criteria provided, single submitter. Criteria: ACMG Guidelines, 2015. Collection method: clinical testing. Allele origin: unknown.